The following is an entry in ClinVar:

NM_013432.5(TONSL):c.3488G>A (p.Arg1163His)

Gene: TONSL (tonsoku like, DNA repair protein; minus strand). Cytogenetic location: 8q24.3.
Variant type: single nucleotide variant.
Coding change: c.3488G>A on transcript NM_013432.5 (MANE Select); coding-DNA position 3488, G replaced by A.
Protein change: p.Arg1163His; replaces arginine 1163 with histidine.
Molecular consequence: missense variant.
Genome position (GRCh38, 1-based): chr8:144,433,659, C>T on the plus strand (G>A on the coding strand, the complement: TONSL is on the minus strand). VCF-style: chr8-144433659-C-T. GRCh37 (hg19) VCF-style: chr8-145659042-C-T.
Other names: c.3488G>A (NM_013432.4); short protein forms R1163H.
Identifiers: ClinVar variation 2418343 (VCV002418343.6), dbSNP rs782299928, ClinGen allele CA4942498.

ClinVar aggregate classification (germline): Conflicting classifications of pathogenicity. Review status: criteria provided, conflicting classifications (1 of 4 stars). 2 submissions from 2 submitters: Uncertain significance (1); Likely benign (1). Last evaluated 2024-11-23.

Conditions:
Inborn genetic diseases. Identifiers: MedGen C0950123, MeSH D030342.

Allele frequency attached by ClinVar (database versions not stated): gnomAD 0.00003.
gnomAD v4.1: 34 of 1,613,114 alleles (0.0021%); highest among the groups gnomAD compares: Admixed American, 0.042%; no homozygotes.

Submissions (2):

Labcorp Genetics (formerly Invitae), Labcorp
Classification: Uncertain significance. Last evaluated: 2024-11-23. Review status: criteria provided, single submitter. Criteria: Invitae Variant Classification Sherloc (09022015). Collection method: clinical testing. Allele origin: germline.
Comment: This sequence change replaces arginine, which is basic and polar, with histidine, which is basic and polar, at codon 1163 of the TONSL protein (p.Arg1163His). This variant is present in population databases (rs782299928, gnomAD 0.05%). This variant has not been reported in the literature in individuals affected with TONSL-related conditions. ClinVar contains an entry for this variant (Variation ID: 2418343). Invitae Evidence Modeling of protein sequence and biophysical properties (such as structural, functional, and spatial information, amino acid conservation, physicochemical variation, residue mobility, and thermodynamic stability) indicates that this missense variant is not expected to disrupt TONSL protein function with a negative predictive value of 80%. In summary, the available evidence is currently insufficient to determine the role of this variant in disease. Therefore, it has been classified as a Variant of Uncertain Significance.

Ambry Genetics
Classification: Likely benign for Inborn genetic diseases. Last evaluated: 2023-02-28. Review status: criteria provided, single submitter. Criteria: Ambry Variant Classification Scheme 2023. Collection method: clinical testing. Allele origin: germline.